The following is an entry in ClinVar:

ClinVar aggregate classification (germline): Uncertain significance. Review status: criteria provided, multiple submitters, no conflicts (2 of 4 stars). 3 submissions from 3 submitters: Uncertain significance (3). Last evaluated 2025-08-11.

Conditions:
Geroderma osteodysplastica (GO). Also called: WALT DISNEY DWARFISM; Geroderma osteodysplasticum. Identifiers: Orphanet 2078, MedGen C0432255, MONDO:0009271, OMIM 231070.
Inborn genetic diseases. Identifiers: MedGen C0950123, MeSH D030342.

Allele frequency attached by ClinVar (database versions not stated): TOPMed 0.00006; gnomAD exomes 0.00002; gnomAD 0.00004 and 0.00002; ExAC 0.00003.
gnomAD v4.1: 41 of 1,613,742 alleles (0.0025%); highest among the groups gnomAD compares: East Asian, 0.0045%; no homozygotes.

Submissions (3):

Ambry Genetics
Classification: Uncertain significance for Inborn genetic diseases. Last evaluated: 2025-08-11. Review status: criteria provided, single submitter. Criteria: Ambry Variant Classification Scheme 2023. Collection method: clinical testing. Allele origin: germline.

Labcorp Genetics (formerly Invitae), Labcorp
Classification: Uncertain significance. Last evaluated: 2024-10-05. Review status: criteria provided, single submitter. Criteria: Invitae Variant Classification Sherloc (09022015). Collection method: clinical testing. Allele origin: germline.
Comment: This sequence change replaces arginine, which is basic and polar, with tryptophan, which is neutral and slightly polar, at codon 212 of the GORAB protein (p.Arg212Trp). This variant is present in population databases (rs763362522, gnomAD 0.005%). This variant has not been reported in the literature in individuals affected with GORAB-related conditions. ClinVar contains an entry for this variant (Variation ID: 1468014). Invitae Evidence Modeling of protein sequence and biophysical properties (such as structural, functional, and spatial information, amino acid conservation, physicochemical variation, residue mobility, and thermodynamic stability) indicates that this missense variant is expected to disrupt GORAB protein function with a positive predictive value of 80%. In summary, the available evidence is currently insufficient to determine the role of this variant in disease. Therefore, it has been classified as a Variant of Uncertain Significance.

Genome-Nilou Lab
Classification: Uncertain significance for Geroderma osteodysplastica. Last evaluated: 2023-04-11. Review status: criteria provided, single submitter. Criteria: ACMG Guidelines, 2015. Collection method: clinical testing. Allele origin: germline. Affected: no.

NM_152281.3(GORAB):c.559C>T (p.Arg187Trp)

Gene: GORAB (golgin, RAB6 interacting; plus strand). Cytogenetic location: 1q24.2.
Variant type: single nucleotide variant.
Coding change: c.559C>T on transcript NM_152281.3 (MANE Select); coding-DNA position 559, C replaced by T.
Protein change: p.Arg187Trp; replaces arginine 187 with tryptophan.
Molecular consequence: missense variant. On other transcripts: non-coding transcript variant (1).
Genome position (GRCh38, 1-based): chr1:170,544,742, C>T. VCF-style: chr1-170544742-C-T. GRCh37 (hg19) VCF-style: chr1-170513883-C-T.
Other names: c.559C>T, p.Arg187Trp (NM_001146039.2); c.94C>T, p.Arg32Trp (NM_001320252.2); c.634C>T (NM_152281.2); short protein forms R187W, R32W.
Identifiers: ClinVar variation 1468014 (VCV001468014.7), dbSNP rs763362522, ClinGen allele CA1239174.